The following is an entry in ClinVar:

ClinVar aggregate classification (germline): Uncertain significance. Review status: criteria provided, multiple submitters, no conflicts (2 of 4 stars). 2 submissions from 2 submitters: Uncertain significance (2). Last evaluated 2026-04-14.

Conditions:
Familial intrahepatic cholestasis. Identifiers: Orphanet 284385, MedGen CN296401, MONDO:0017290.

gnomAD v4.1: 67 of 1,613,682 alleles (0.0042%); highest among the groups gnomAD compares: South Asian, 0.046%; no homozygotes.

Submissions (2):

Genomenon, Inc
Classification: Uncertain significance for Familial intrahepatic cholestasis. Last evaluated: 2026-04-14. Review status: criteria provided, single submitter. Criteria: Genomenon Sequence Variant Interpretation Standards - Updated. Collection method: curation. Allele origin: germline. Affected: yes.
Comment: ABCB11 p.Thr1256Met (c.3767C>T) is a missense variant that changes the amino acid at residue 1256 from Threonine to Methionine. This variant has been observed in at least one proband with an ABCB11-related disorder (PMID:36995996). It is absent or not present at a significant frequency in gnomAD. In conclusion, we classify ABCB11 p.Thr1256Met (c.3767C>T) as a variant of uncertain significance.

Center for Genomic Medicine, Rigshospitalet, Copenhagen University Hospital
Classification: Uncertain significance. Last evaluated: 2025-03-04. Review status: criteria provided, single submitter. Criteria: ACMG Guidelines, 2015. Collection method: clinical testing. Allele origin: germline.

Literature cited by the submitters: PubMed 36995996 (cited by Genomenon, Inc); PubMed 35984240 (cited by Center for Genomic Medicine, Rigshospitalet, Copenhagen University Hospital).

NM_003742.4(ABCB11):c.3767C>T (p.Thr1256Met)

Gene: ABCB11 (ATP binding cassette subfamily B member 11; minus strand). Cytogenetic location: 2q31.1.
Variant type: single nucleotide variant.
Coding change: c.3767C>T on transcript NM_003742.4 (MANE Select); coding-DNA position 3767, C replaced by T.
Protein change: p.Thr1256Met; replaces threonine 1256 with methionine.
Molecular consequence: missense variant.
Genome position (GRCh38, 1-based): chr2:168,923,821, G>A on the plus strand (C>T on the coding strand, the complement: ABCB11 is on the minus strand). VCF-style: chr2-168923821-G-A. GRCh37 (hg19) VCF-style: chr2-169780331-G-A.
Other names: short protein forms T1256M.
Identifiers: ClinVar variation 2575388 (VCV002575388.3), dbSNP rs763244136, ClinGen allele CA1950927.